The following is an entry in ClinVar:

ClinVar aggregate classification (germline): Uncertain significance (1 of 4 stars; one submission).

Submission:

Labcorp Genetics (formerly Invitae), Labcorp
Classification: Uncertain significance. Last evaluated: 2022-10-04. Review status: criteria provided, single submitter. Criteria: Invitae Variant Classification Sherloc (09022015). Collection method: clinical testing. Allele origin: germline.
Comment: In summary, the available evidence is currently insufficient to determine the role of this variant in disease. Therefore, it has been classified as a Variant of Uncertain Significance. Advanced modeling of protein sequence and biophysical properties (such as structural, functional, and spatial information, amino acid conservation, physicochemical variation, residue mobility, and thermodynamic stability) performed at Invitae indicates that this missense variant is not expected to disrupt ADAMTSL4 protein function. This variant has not been reported in the literature in individuals affected with ADAMTSL4-related conditions. This variant is not present in population databases (gnomAD no frequency). This sequence change replaces glycine, which is neutral and non-polar, with glutamic acid, which is acidic and polar, at codon 884 of the ADAMTSL4 protein (p.Gly884Glu).

NM_019032.6(ADAMTSL4):c.2651G>A (p.Gly884Glu)

Gene: ADAMTSL4 (ADAMTS like 4; plus strand). Cytogenetic location: 1q21.2.
Variant type: single nucleotide variant.
Coding change: c.2651G>A on transcript NM_019032.6 (MANE Select); coding-DNA position 2651, G replaced by A.
Protein change: p.Gly884Glu; replaces glycine 884 with glutamic acid.
Molecular consequence: missense variant.
Genome position (GRCh38, 1-based): chr1:150,559,053, G>A. VCF-style: chr1-150559053-G-A. GRCh37 (hg19) VCF-style: chr1-150531529-G-A.
Other names: c.2534G>A, p.Gly845Glu (NM_001288607.2); c.2720G>A, p.Gly907Glu (NM_001288608.2); c.2651G>A, p.Gly884Glu (NM_001378596.1); short protein forms G845E, G884E, G907E.
Identifiers: ClinVar variation 1714570 (VCV001714570.5), dbSNP rs2526780212, ClinGen allele CA342315970.